The following is an entry in ClinVar:

NM_001365088.1(SLC12A6):c.25A>G (p.Lys9Glu)

Gene: SLC12A6 (solute carrier family 12 member 6; minus strand). Cytogenetic location: 15q14.
Variant type: single nucleotide variant.
Coding change: c.25A>G on transcript NM_001365088.1 (MANE Select); coding-DNA position 25, A replaced by G.
Protein change: p.Lys9Glu; replaces lysine 9 with glutamic acid.
Molecular consequence: missense variant. On other transcripts: 5 prime UTR variant (1), intron variant (2).
Genome position (GRCh38, 1-based): chr15:34,336,656, T>C on the plus strand (A>G on the coding strand, the complement: SLC12A6 is on the minus strand). VCF-style: chr15-34336656-T-C. GRCh37 (hg19) VCF-style: chr15-34628857-T-C.
Other names: c.-3A>G (NM_001042496.2); c.25A>G, p.Lys9Glu (NM_001042497.2, NM_133647.2); c.-98-55A>G (NM_001042495.2, NM_001042494.2); short protein forms K9E.
Identifiers: ClinVar variation 1365776 (VCV001365776.8), dbSNP rs2141213584, ClinGen allele CA391621860.

ClinVar aggregate classification (germline): Uncertain significance (1 of 4 stars; one submission).

Submission:

Labcorp Genetics (formerly Invitae), Labcorp
Classification: Uncertain significance. Last evaluated: 2023-06-15. Review status: criteria provided, single submitter. Criteria: Invitae Variant Classification Sherloc (09022015). Collection method: clinical testing. Allele origin: germline.
Comment: In summary, the available evidence is currently insufficient to determine the role of this variant in disease. Therefore, it has been classified as a Variant of Uncertain Significance. Advanced modeling of protein sequence and biophysical properties (such as structural, functional, and spatial information, amino acid conservation, physicochemical variation, residue mobility, and thermodynamic stability) performed at Invitae indicates that this missense variant is not expected to disrupt SLC12A6 protein function. ClinVar contains an entry for this variant (Variation ID: 1365776). This variant has not been reported in the literature in individuals affected with SLC12A6-related conditions. This variant is not present in population databases (gnomAD no frequency). This sequence change replaces lysine, which is basic and polar, with glutamic acid, which is acidic and polar, at codon 9 of the SLC12A6 protein (p.Lys9Glu).